The following is an entry in ClinVar:

ClinVar aggregate classification (germline): Uncertain significance (1 of 4 stars; one submission).

Conditions:
Tuberous sclerosis 2 (TSC2). Identifiers: Orphanet 805, MedGen C1860707, MONDO:0013199, OMIM 613254.

Submission:

Labcorp Genetics (formerly Invitae), Labcorp
Classification: Uncertain significance for Tuberous sclerosis 2. Last evaluated: 2021-06-09. Review status: criteria provided, single submitter. Criteria: Invitae Variant Classification Sherloc (09022015). Collection method: clinical testing. Allele origin: germline.
Comment: This sequence change replaces methionine with threonine at codon 449 of the TSC2 protein (p.Met449Thr). The methionine residue is highly conserved and there is a moderate physicochemical difference between methionine and threonine. This variant is not present in population databases (ExAC no frequency). This variant has not been reported in the literature in individuals with TSC2-related conditions. Advanced modeling of protein sequence and biophysical properties (such as structural, functional, and spatial information, amino acid conservation, physicochemical variation, residue mobility, and thermodynamic stability) performed at Invitae indicates that this missense variant is not expected to disrupt TSC2 protein function. In summary, the available evidence is currently insufficient to determine the role of this variant in disease. Therefore, it has been classified as a Variant of Uncertain Significance.

NM_000548.5(TSC2):c.1346T>C (p.Met449Thr)

Gene: TSC2 (TSC complex subunit 2; plus strand). Cytogenetic location: 16p13.3.
Variant type: single nucleotide variant.
Coding change: c.1346T>C on transcript NM_000548.5 (MANE Select); coding-DNA position 1346, T replaced by C.
Protein change: p.Met449Thr; replaces methionine 449 with threonine.
Molecular consequence: missense variant.
Genome position (GRCh38, 1-based): chr16:2,062,585, T>C. VCF-style: chr16-2062585-T-C. GRCh37 (hg19) VCF-style: chr16-2112586-T-C.
Other names: c.1346T>C, p.Met449Thr (NM_001077183.3, NM_001114382.3, NM_001363528.2 and 3 more transcripts); c.1235T>C, p.Met412Thr (NM_001318827.2); c.1199T>C, p.Met400Thr (NM_001318829.2); c.746T>C, p.Met249Thr (NM_001318831.2); c.1379T>C, p.Met460Thr (NM_001318832.2); short protein forms M249T, M400T, M412T, M449T, M460T.
Identifiers: ClinVar variation 1360058 (VCV001360058.8), dbSNP rs1057520875, ClinGen allele CA394322615.